The following is an entry in ClinVar:

ClinVar aggregate classification (germline): Pathogenic (1 of 4 stars; one submission).

Conditions:
Ataxia-telangiectasia syndrome (AT). Also called: ATAXIA-TELANGIECTASIA, FRESNO VARIANT; Ataxia-telangiectasia, complementation group E; Ataxia telangiectasia (A-T); LOUIS-BAR SYNDROME; Ataxia-telangiectasia, complementation group D; AT, COMPLEMENTATION GROUP C. Identifiers: Orphanet 100, MedGen C0004135, MONDO:0008840, OMIM 208900.

Submission:

Labcorp Genetics (formerly Invitae), Labcorp
Classification: Pathogenic for Ataxia-telangiectasia syndrome. Last evaluated: 2019-10-16. Review status: criteria provided, single submitter. Criteria: Invitae Variant Classification Sherloc (09022015). Collection method: clinical testing. Allele origin: germline.
Comment: This variant is not present in population databases (ExAC no frequency). This sequence change creates a premature translational stop signal (p.Cys489Tyrfs*9) in the ATM gene. It is expected to result in an absent or disrupted protein product. This variant has not been reported in the literature in individuals with ATM-related conditions. Loss-of-function variants in ATM are known to be pathogenic (PMID: 23807571, 25614872). For these reasons, this variant has been classified as Pathogenic.

Literature cited by the submitters: PubMed 23807571; PubMed 25614872.

NM_000051.4(ATM):c.1466_1467del (p.Cys489fs)

Gene: ATM (ATM serine/threonine kinase; plus strand). Cytogenetic location: 11q22.3.
Variant type: Microsatellite.
Coding change: c.1466_1467del on transcript NM_000051.4 (MANE Select); coding-DNA positions 1466 to 1467, 2 bases deleted (GT; older notation c.1466_1467delGT).
Protein change: p.Cys489fs; shifts the reading frame from cysteine 489.
Molecular consequence: frameshift variant.
Genome position (GRCh38, 1-based): chr11:108,250,931-108,250,932, GT deleted; deleting any 2 consecutive bases within chr11:108,250,929-108,250,932 gives the same sequence; the c. name uses the placement nearest the transcript's 3' end. VCF-style (leftmost placement, unchanged base first): chr11-108250928-GGT-G. GRCh37 (hg19) VCF-style: chr11-108121655-GGT-G.
Other names: c.1466_1467del, p.Cys489fs (NM_001351834.2); short protein forms C489fs.
Identifiers: ClinVar variation 964623 (VCV000964623.7), dbSNP rs2080108960, ClinGen allele CA1998770915.